The following continues an entry in ClinVar:

NM_002693.3(POLG):c.2209G>C (p.Gly737Arg)

Gene: POLG. ClinVar aggregate classification (germline): Pathogenic/Likely pathogenic. Pathogenic (25); Likely pathogenic (11).

Submissions 8 to 24 of 41:

3billion
Classification: Pathogenic for Progressive external ophthalmoplegia with mitochondrial DNA deletions, autosomal recessive 1. Last evaluated: 2025-08-24. Review status: criteria provided, single submitter. Criteria: ACMG Guidelines, 2015. Collection method: clinical testing. Allele origin: germline. Affected: yes.
Comment: The variant is observed at an extremely low frequency in the gnomAD v4.1.0 dataset (total allele frequency: 0.162%). Predicted Consequence/Location: Missense variant In silico tool predictions suggest damaging effect of the variant on gene or gene product [REVEL: 0.94 (>=0.6, sensitivity 0.68 and specificity 0.92); 3Cnet: 0.98 (> 0.75, sensitivity 0.96 and precision 0.92)]. The same nucleotide change resulting in the same amino acid change has been previously reported as pathogenic/likely pathogenic with strong evidence (ClinVar ID: VCV000013513 /PMID: 16634032). The variant has been reported to be in trans with a pathogenic variant as either compound heterozygous or homozygous in at least 2 similarly affected unrelated individuals (PMID: 18546365). Therefore, this variant is classified as Pathogenic according to the recommendation of ACMG/AMP guideline.

Mayo Clinic Laboratories, Mayo Clinic
Classification: Pathogenic. Last evaluated: 2025-07-09. Review status: criteria provided, single submitter. Criteria: ACMG Guidelines, 2015. Collection method: clinical testing. Allele origin: germline. Observed: 12 variant alleles.
Comment: PP1, PP3_strong, PM3_very_strong, PS4_moderate

Department of Paediatrics at Addenbrookes, Cambridge University Hospitals NHS Foundation Trust (UK)
Classification: Pathogenic for POLG-related disorder. Last evaluated: 2025-05-27. Review status: criteria provided, single submitter. Criteria: Durkie Uk Practice Guidelines For Variant Classification V12 2024 (1). Collection method: clinical testing. Allele origin: unknown.
Comment: PS4_Moderate; PM3_Strong; PP3_Supporting

Revvity Omics, Revvity
Classification: Pathogenic. Last evaluated: 2025-01-16. Review status: criteria provided, single submitter. Criteria: ACMG Guidelines, 2015. Collection method: clinical testing. Allele origin: germline.

Blueprint Genetics
Classification: Pathogenic for POLG-related disorders. Last evaluated: 2024-10-21. Review status: criteria provided, single submitter. Criteria: ACMG Guidelines, 2015. Collection method: clinical testing. Allele origin: germline. Affected: yes. Observed: 5 variant alleles.

Fulgent Genetics
Classification: Pathogenic for Progressive external ophthalmoplegia with mitochondrial DNA deletions, autosomal dominant 1; Progressive sclerosing poliodystrophy; Progressive external ophthalmoplegia with mitochondrial DNA deletions, autosomal recessive 1; Sensory ataxic neuropathy, dysarthria, and ophthalmoparesis; Mitochondrial DNA depletion syndrome 4b. Last evaluated: 2024-04-23. Review status: criteria provided, single submitter. Criteria: ACMG Guidelines, 2015. Collection method: clinical testing. Allele origin: germline.

Baylor Genetics
Classification: Pathogenic for Progressive sclerosing poliodystrophy. Last evaluated: 2024-03-27. Review status: criteria provided, single submitter. Criteria: ACMG Guidelines, 2015. Collection method: clinical testing. Allele origin: unknown.

Daryl Scott Lab, Baylor College of Medicine
Classification: Pathogenic for POLG-related disorder. Last evaluated: 2024-01-01. Review status: criteria provided, single submitter. Criteria: ACMG Guidelines, 2015. Collection method: clinical testing. Allele origin: maternal. Affected: yes. Observed: 1 homozygote.
Comment: PS1, PS3, PM2, PM3, PP1, PP4

Ambry Genetics
Classification: Pathogenic for Inborn genetic diseases. Last evaluated: 2023-11-17. Review status: criteria provided, single submitter. Criteria: Ambry Variant Classification Scheme 2023. Collection method: clinical testing. Allele origin: germline.
Comment: The c.2209G>C (p.G737R) alteration is located in exon 13 (coding exon 12) of the POLG gene. This alteration results from a G to C substitution at nucleotide position 2209, causing the glycine (G) at amino acid position 737 to be replaced by an arginine (R). for autosomal recessive POLG-related mitochondrial disorders; however, its clinical significance for autosomal dominant POLG-related progressive external ophthalmoplegia is uncertain. Based on data from gnomAD, the C allele has an overall frequency of 0.07% (211/282774) total alleles studied. The highest observed frequency was 0.13% (171/129104) of European (non-Finnish) alleles. This is a well described common POLG mutation, having been detected with a frequency of close to 4% of alleles in affected individuals. In several studies, it has been detected in the compound heterozygous state in individuals exhibiting a wide range of phenotypes: from adult onset muscle weakness, myopathy, neuropathy, and ataxia, to early onset liver failure, seizures, and childhood death (Davidzon, 2006; Horvath, 2006; Harrower, 2008; Milone, 2008; Tzoulis, 2009; Tang, 2011; Rempe, 2016; Farwell, 2015; Phillips, 2019). This amino acid position is highly conserved in available vertebrate species. This alteration is predicted to be deleterious by in silico analysis. Based on the available evidence, this alteration is classified as pathogenic.

Athena Diagnostics
Classification: Pathogenic. Last evaluated: 2023-07-11. Review status: criteria provided, single submitter. Criteria: Athena Diagnostics Criteria. Collection method: clinical testing. Allele origin: unknown.
Comment: The frequency of this variant in the general population is consistent with pathogenicity. This variant is statistically more frequent in affected individuals than in the general population and/or healthy controls (PMID: 18546365, 21880868). This variant has been identified in multiple unrelated individuals with autosomal recessive POLG-related disorders and appears to segregate with disease in at least one family. Affected heterozygous individuals have also been reported. In multiple individuals, this variant has been seen with a single recessive pathogenic variant in the same gene, suggesting this variant may also be pathogenic. Computational tools predict that this variant is damaging.

Pittsburgh Clinical Genomics Laboratory, University of Pittsburgh Medical Center
Classification: Likely pathogenic for Progressive sclerosing poliodystrophy. Last evaluated: 2023-03-21. Review status: criteria provided, single submitter. Criteria: ACMG Guidelines, 2015. Collection method: clinical testing. Allele origin: germline. Inheritance: Autosomal unknown. Affected: yes.
Comment: This sequence variant is a single nucleotide substitution (G>C) at coding position 2209 of the POLG gene that results in a glycine to arginine amino acid change at residue 737 of the POLG protein. The Gly737 residue falls in the linker region (PMID: 21824913) which plays a critical role in replicating the mitochondrial genome. This is a previously reported variant (ClinVar) that has been observed in individuals affected by a variety of phenotypes when in the compound heterozygous state (PMID: 33791913). These phenotypes include, but are not limited to, sensory ataxic neuropathy, dysarthria, and ophthalmoparesis (SANDO), myocerebrohepatopathy spectrum disorder, progressive exterl ophthalmoplegia, Charcot-Marie-Tooth disease, hearing loss, cerebellar atrophy, epilepsy, dystonia, developmental delay, dysmorphic features, congenital cataract, and rel tubulopathy (PMID: 18546365, 18585914, 16621917, 19566497, 18195151, 30843307, 34062649). This variant is present in 211 of 282,774 (0.07%) alleles in the gnomAD population database. Multiple bioinformatic tools predict that this glycine to arginine amino acid change would be damaging, and the glycine residue at this position is highly conserved across the vertebrate species examined. In addition, studies of cultured fibroblasts derived from compound heterozygous affected individuals exhibited a reduced mtD replication rate (PMID: 21138766, 24725338). Given this information, we consider this a likely pathogenic variant. ACMG Criteria: PM3, PP2, PP3, PS3

Women's Health and Genetics/Laboratory Corporation of America, LabCorp
Classification: Pathogenic for POLG-related disorder. Last evaluated: 2022-05-31. Review status: criteria provided, single submitter. Criteria: LabCorp Variant Classification Summary - May 2015. Collection method: clinical testing. Allele origin: germline.
Comment: Variant summary: POLG c.2209G>C (p.Gly737Arg) results in a non-conservative amino acid change located in the linker region (Wong_2008) of the encoded protein sequence. Five of five in-silico tools predict a damaging effect of the variant on protein function. The variant allele was found at a frequency of 0.00069 in 251378 control chromosomes. c.2209G>C has been reported in the literature in multiple individuals affected with POLG-Related Spectrum Disorders (example, Davidzon_2006, Milone_2008, Wong_2008, Tzoulis_2009, Stewart_2011, Sitarz_2014, Phillips_2019, Bychkov_2021). These data indicate that the variant is very likely to be associated with disease. To our knowledge, no experimental evidence demonstrating an impact on protein function has been reported. Multiple clinical diagnostic laboratories have submitted clinical-significance assessments for this variant to ClinVar after 2014 without evidence for independent evaluation. All laboratories classified the variant as pathogenic/likely pathogenic. Based on the evidence outlined above, the variant was classified as pathogenic.

Greenwood Genetic Center Diagnostic Laboratories, Greenwood Genetic Center
Classification: Likely pathogenic for Sensory ataxic neuropathy, dysarthria, and ophthalmoparesis. Last evaluated: 2021-12-22. Review status: criteria provided, single submitter. Criteria: ACMG Guidelines, 2015. Collection method: clinical testing. Allele origin: germline. Affected: yes.
Comment: PM3_Strong, PP1, PP3

AiLife Diagnostics
Classification: Likely pathogenic. Last evaluated: 2021-11-08. Review status: criteria provided, single submitter. Criteria: ACMG Guidelines, 2015. Collection method: clinical testing. Allele origin: germline. Affected: yes. Observed: 6 variant alleles.

MGZ Medical Genetics Center
Classification: Likely pathogenic for Progressive external ophthalmoplegia with mitochondrial DNA deletions, autosomal recessive 1. Last evaluated: 2021-09-16. Review status: criteria provided, single submitter. Criteria: ACMG Guidelines, 2015. Collection method: clinical testing. Allele origin: germline. Affected: yes. Observed: 1 variant allele.
Comment: ACMG criteria applied: PM3_STR, PS4_MOD, PP3, PP4

Genetics and Molecular Pathology, SA Pathology
Classification: Likely pathogenic for Progressive sclerosing poliodystrophy. Last evaluated: 2021-07-08. Review status: criteria provided, single submitter. Criteria: ACMG Guidelines, 2015. Collection method: clinical testing. Allele origin: germline. Inheritance: Autosomal recessive inheritance. Affected: yes.
Comment: The POLG c.2209G>C variant is classified as Likely Pathogenic (PS4_Moderate, PM3_Strong, PP3, PP5)

CENTOGENE GmbH and LLC - Guiding Precision Medicine
Classification: Likely pathogenic for Progressive sclerosing poliodystrophy. Last evaluated: 2020-12-16. Review status: criteria provided, single submitter. Criteria: ACMG Guidelines, 2015. Collection method: clinical testing. Allele origin: germline. Affected: no.